The following is an entry in ClinVar:

NM_000245.4(MET):c.2003C>T (p.Pro668Leu)

Gene: MET (MET proto-oncogene, receptor tyrosine kinase; plus strand). Cytogenetic location: 7q31.2.
Variant type: single nucleotide variant.
Coding change: c.2003C>T on transcript NM_000245.4 (MANE Select); coding-DNA position 2003, C replaced by T.
Protein change: p.Pro668Leu; replaces proline 668 with leucine.
Molecular consequence: missense variant.
Genome position (GRCh38, 1-based): chr7:116,757,675, C>T. VCF-style: chr7-116757675-C-T. GRCh37 (hg19) VCF-style: chr7-116397729-C-T.
Other names: c.2003C>T, p.Pro668Leu (NM_001127500.3, NM_001324401.3); c.713C>T, p.Pro238Leu (NM_001324402.2); short protein forms P238L, P668L.
Identifiers: ClinVar variation 1784282 (VCV001784282.3), dbSNP rs2116923615, ClinGen allele CA368979714.

ClinVar aggregate classification (germline): Uncertain significance (1 of 4 stars; one submission).

Conditions:
Hereditary cancer-predisposing syndrome. Also called: Neoplastic Syndromes, Hereditary; Tumor predisposition; Hereditary Cancer Syndrome; Hereditary neoplastic syndrome. Identifiers: Orphanet 140162, MedGen C0027672, MeSH D009386, MONDO:0015356.

Allele frequency attached by ClinVar (database versions not stated): gnomAD exomes below 0.00001.
gnomAD v4.1: 1 of 1,613,986 alleles (0.000062%); highest among the groups gnomAD compares: Non-Finnish European, 0.000085%; no homozygotes.

Submission:

Ambry Genetics
Classification: Uncertain significance for Hereditary cancer-predisposing syndrome. Last evaluated: 2025-06-27. Review status: criteria provided, single submitter. Criteria: Ambry Variant Classification Scheme 2023. Collection method: clinical testing. Allele origin: germline.
Comment: The p.P668L variant (also known as c.2003C>T), located in coding exon 7 of the MET gene, results from a C to T substitution at nucleotide position 2003. The proline at codon 668 is replaced by leucine, an amino acid with similar properties. This amino acid position is highly conserved in available vertebrate species. In addition, this alteration is predicted to be deleterious by in silico analysis. Based on the available evidence, the clinical significance of this variant remains unclear.